The following is an entry in ClinVar:

ClinVar aggregate classification (germline): Conflicting classifications of pathogenicity. Review status: criteria provided, conflicting classifications (1 of 4 stars). 5 submissions from 5 submitters: Uncertain significance (4); Likely benign (1). Last evaluated 2024-12-26.

Conditions:
Hereditary cancer-predisposing syndrome. Also called: Neoplastic Syndromes, Hereditary; Hereditary Cancer Syndrome; Hereditary neoplastic syndrome; Tumor predisposition. Identifiers: Orphanet 140162, MedGen C0027672, MeSH D009386, MONDO:0015356.
Familial cancer of breast. Also called: BREAST CANCER, FAMILIAL; Hereditary breast cancer; hereditary breast carcinoma. Identifiers: Orphanet 227535, MedGen C0346153, MONDO:0016419, OMIM 114480. Disease mechanism: loss of function.

Allele frequency attached by ClinVar (database versions not stated): gnomAD 0.00001; ExAC 0.00002; TOPMed 0.00002; ESP Exome Variant Server 0.00015.
gnomAD v4.1: 1 of 1,613,182 alleles (0.000062%); highest among the groups gnomAD compares: African/African-American, 0.0013%; no homozygotes.

Submissions (5):

Labcorp Genetics (formerly Invitae), Labcorp
Classification: Uncertain significance for Familial cancer of breast. Last evaluated: 2024-12-26. Review status: criteria provided, single submitter. Criteria: Invitae Variant Classification Sherloc (09022015). Collection method: clinical testing. Allele origin: germline.
Comment: This sequence change replaces serine, which is neutral and polar, with cysteine, which is neutral and slightly polar, at codon 136 of the PALB2 protein (p.Ser136Cys). This variant is present in population databases (rs144496685, gnomAD 0.007%). This variant has not been reported in the literature in individuals affected with PALB2-related conditions. ClinVar contains an entry for this variant (Variation ID: 461001). An algorithm developed to predict the effect of missense changes on protein structure and function (PolyPhen-2) suggests that this variant is likely to be disruptive. In summary, the available evidence is currently insufficient to determine the role of this variant in disease. Therefore, it has been classified as a Variant of Uncertain Significance.

Ambry Genetics
Classification: Likely benign for Hereditary cancer-predisposing syndrome. Last evaluated: 2024-03-27. Review status: criteria provided, single submitter. Criteria: Ambry Variant Classification Scheme 2023. Collection method: clinical testing. Allele origin: germline.

Women's Health and Genetics/Laboratory Corporation of America, LabCorp
Classification: Uncertain significance. Last evaluated: 2024-03-09. Review status: criteria provided, single submitter. Criteria: LabCorp Variant Classification Summary - May 2015. Collection method: clinical testing. Allele origin: germline.

Baylor Genetics
Classification: Uncertain significance for Familial cancer of breast. Last evaluated: 2024-01-08. Review status: criteria provided, single submitter. Criteria: ACMG Guidelines, 2015. Collection method: clinical testing. Allele origin: unknown.

Color Diagnostics, LLC DBA Color Health
Classification: Uncertain significance for Hereditary cancer-predisposing syndrome. Last evaluated: 2023-06-13. Review status: criteria provided, single submitter. Criteria: ACMG Guidelines, 2015. Collection method: clinical testing. Allele origin: germline.
Comment: This missense variant replaces serine with cysteine at codon 136 of the PALB2 protein. Computational prediction suggests that this variant may not impact protein structure and function (internally defined REVEL score threshold <= 0.5, PMID: 27666373). To our knowledge, functional studies have not been reported for this variant. This variant has not been reported in individuals affected with PALB2-related disorders in the literature. This variant has been identified in 2/251168 chromosomes in the general population by the Genome Aggregation Database (gnomAD). The available evidence is insufficient to determine the role of this variant in disease conclusively. Therefore, this variant is classified as a Variant of Uncertain Significance.

NM_024675.4(PALB2):c.406A>T (p.Ser136Cys)

Gene: PALB2 (partner and localizer of BRCA2; minus strand). Cytogenetic location: 16p12.2.
Variant type: single nucleotide variant.
Coding change: c.406A>T on transcript NM_024675.4 (MANE Select); coding-DNA position 406, A replaced by T.
Protein change: p.Ser136Cys; replaces serine 136 with cysteine.
Molecular consequence: missense variant.
Genome position (GRCh38, 1-based): chr16:23,636,140, T>A on the plus strand (A>T on the coding strand, the complement: PALB2 is on the minus strand). VCF-style: chr16-23636140-T-A. GRCh37 (hg19) VCF-style: chr16-23647461-T-A.
Other names: short protein forms S136C.
Identifiers: ClinVar variation 461001 (VCV000461001.20), dbSNP rs144496685, ClinGen allele CA7963796.